The following is an entry in ClinVar:

ClinVar aggregate classification (germline): Pathogenic. Review status: criteria provided, multiple submitters, no conflicts (2 of 4 stars). 4 submissions from 4 submitters: Pathogenic (4). Last evaluated 2025-05-27.

Conditions:
Wilson disease (WND). Also called: Wilson's disease. Identifiers: Orphanet 905, MedGen C0019202, MONDO:0010200, OMIM 277900. Disease mechanism: loss of function.

Submissions (4):

Color Diagnostics, LLC DBA Color Health
Classification: Pathogenic for Wilson disease. Last evaluated: 2025-05-27. Review status: criteria provided, single submitter. Criteria: ACMG Guidelines, 2015. Collection method: clinical testing. Allele origin: germline.
Comment: This variant deletes 2 nucleotides in exon 11 of the ATP7B gene, creating a frameshift and premature translation stop signal. This variant is expected to result in an absent or non-functional protein product. This variant has been observed in individuals affected with autosomal recessive Wilson disease (PMID: 12885331, 26799313, 27022412, 34470610DOI: 10.21203/rs.3.rs-4957273/v1), including two individuals who were confirmed to carry this variant in the homozygous state. This variant has not been identified in the general population by the Genome Aggregation Database (gnomAD). Loss of ATP7B function is a known mechanism of disease. Based on the available evidence, this variant is classified as Pathogenic.

Baylor Genetics
Classification: Pathogenic for Wilson disease. Last evaluated: 2023-10-07. Review status: criteria provided, single submitter. Criteria: ACMG Guidelines, 2015. Collection method: clinical testing. Allele origin: unknown.

Labcorp Genetics (formerly Invitae), Labcorp
Classification: Pathogenic for Wilson disease. Last evaluated: 2023-05-02. Review status: criteria provided, single submitter. Criteria: Invitae Variant Classification Sherloc (09022015). Collection method: clinical testing. Allele origin: germline.
Comment: For these reasons, this variant has been classified as Pathogenic. This premature translational stop signal has been observed in individual(s) with Wilson disease (PMID: 12885331, 26799313, 27022412, 34470610). This variant is not present in population databases (gnomAD no frequency). This sequence change creates a premature translational stop signal (p.Val883Alafs*3) in the ATP7B gene. It is expected to result in an absent or disrupted protein product. Loss-of-function variants in ATP7B are known to be pathogenic (PMID: 10441329, 16283883).

Mayo Clinic Laboratories, Mayo Clinic
Classification: Pathogenic. Last evaluated: 2022-10-04. Review status: criteria provided, single submitter. Criteria: ACMG Guidelines, 2015. Collection method: clinical testing. Allele origin: germline. Observed: 1 variant allele.
Comment: PP4, PM2, PS4_moderate, PVS1

Literature cited by the submitters: PubMed 12885331 (cited by 3 submitters); PubMed 26799313 (cited by 3 submitters); PubMed 27022412 (cited by 3 submitters); PubMed 34470610 (cited by 3 submitters); PubMed 10441329 (cited by Labcorp Genetics (formerly Invitae), Labcorp); PubMed 16283883 (cited by Labcorp Genetics (formerly Invitae), Labcorp); PubMed 31059521 (cited by Mayo Clinic Laboratories, Mayo Clinic); PubMed 32248359 (cited by Mayo Clinic Laboratories, Mayo Clinic).

NM_000053.4(ATP7B):c.2648_2649del (p.Val883fs)

Gene: ATP7B (ATPase copper transporting beta; minus strand). Cytogenetic location: 13q14.3.
Variant type: Microsatellite.
Coding change: c.2648_2649del on transcript NM_000053.4 (MANE Select); coding-DNA positions 2648 to 2649, 2 bases deleted (TG; older notation c.2648_2649delTG).
Protein change: p.Val883fs; shifts the reading frame from valine 883.
Molecular consequence: frameshift variant.
Genome position (GRCh38, 1-based): chr13:51,950,088-51,950,089, CA deleted on the plus strand (TG on the coding strand, the reverse complement: ATP7B is on the minus strand); deleting any 2 consecutive bases within chr13:51,950,088-51,950,091 gives the same sequence; the c. name uses the placement nearest the transcript's 3' end. VCF-style (leftmost placement, unchanged base first): chr13-51950087-GCA-G. GRCh37 (hg19) VCF-style: chr13-52524223-GCA-G.
Other names: p.Val883Alafs*3; c.2162_2163del, p.Val721fs (NM_001005918.3); c.2315_2316del, p.Val772fs (NM_001243182.2); c.2414_2415del, p.Val805fs (NM_001330578.2); c.2396_2397del, p.Val799fs (NM_001330579.2); c.2646_2647TG[1], p.Val883Alafs (NM_001406511.1, NM_001406512.1, NM_001406513.1 and 7 more transcripts); c.2613_2614TG[1], p.Val872Alafs (NM_001406514.1); c.2550_2551TG[1], p.Val851Alafs (NM_001406517.1, NM_001406518.1); and 13 more; short protein forms V721fs, V772fs, V805fs, V883fs, V799fs.
Identifiers: ClinVar variation 2137523 (VCV002137523.6), dbSNP rs1957901268, ClinGen allele CA2091541955.